The following is an entry in ClinVar:

NM_004385.5(VCAN):c.9649A>G (p.Asn3217Asp)

Genes: VCAN (versican; plus strand), VCAN-AS1 (VCAN antisense RNA 1; minus strand). Cytogenetic location: 5q14.3.
Variant type: single nucleotide variant.
Coding change: c.9649A>G on transcript NM_004385.5 (MANE Select); coding-DNA position 9649, A replaced by G.
Protein change: p.Asn3217Asp; replaces asparagine 3217 with aspartic acid.
Molecular consequence: missense variant.
Genome position (GRCh38, 1-based): chr5:83,553,519, A>G. VCF-style: chr5-83553519-A-G. GRCh37 (hg19) VCF-style: chr5-82849338-A-G.
Other names: c.1426A>G, p.Asn476Asp (NM_001126336.3); c.6688A>G, p.Asn2230Asp (NM_001164097.2); c.4387A>G, p.Asn1463Asp (NM_001164098.2); c.9649A>G (NM_004385.4); short protein forms N1463D, N2230D, N3217D, N476D.
Identifiers: ClinVar variation 1054795 (VCV001054795.10), dbSNP rs750844630, ClinGen allele CA3334054.

ClinVar aggregate classification (germline): Uncertain significance. Review status: criteria provided, multiple submitters, no conflicts (2 of 4 stars). 2 submissions from 2 submitters: Uncertain significance (2). Last evaluated 2025-02-08.

Conditions:
Inborn genetic diseases. Identifiers: MedGen C0950123, MeSH D030342.

Allele frequency attached by ClinVar (database versions not stated): gnomAD exomes below 0.00001; TOPMed below 0.00001; ExAC 0.00001.

Submissions (2):

Ambry Genetics
Classification: Uncertain significance for Inborn genetic diseases. Last evaluated: 2025-02-08. Review status: criteria provided, single submitter. Criteria: Ambry Variant Classification Scheme 2023. Collection method: clinical testing. Allele origin: germline.

Labcorp Genetics (formerly Invitae), Labcorp
Classification: Uncertain significance. Last evaluated: 2020-06-30. Review status: criteria provided, single submitter. Criteria: Invitae Variant Classification Sherloc (09022015). Collection method: clinical testing. Allele origin: germline.
Comment: This sequence change replaces asparagine with aspartic acid at codon 3217 of the VCAN protein (p.Asn3217Asp). The asparagine residue is highly conserved and there is a small physicochemical difference between asparagine and aspartic acid. This variant is present in population databases (rs750844630, ExAC 0.01%). This variant has not been reported in the literature in individuals with VCAN-related conditions. Algorithms developed to predict the effect of missense changes on protein structure and function are either unavailable or do not agree on the potential impact of this missense change (SIFT: "Deleterious"; PolyPhen-2: "Probably Damaging"; Align-GVGD: "Class C15"). In summary, the available evidence is currently insufficient to determine the role of this variant in disease. Therefore, it has been classified as a Variant of Uncertain Significance.